The following is an entry in ClinVar:

ClinVar aggregate classification (germline): Conflicting classifications of pathogenicity. Review status: criteria provided, conflicting classifications (1 of 4 stars). 5 submissions from 5 submitters: Likely pathogenic (1); Uncertain significance (4). Last evaluated 2026-09-02.

Conditions:
Cardiomyopathy (CMYO). Also called: Cardiomyopathies. Identifiers: Orphanet 167848, MedGen C0878544, MONDO:0004994, HP:0001638. Inheritance: Various modes of inheritance.
Hypertrophic cardiomyopathy. Also called: HYPERTROPHIC MYOCARDIOPATHY. Identifiers: Orphanet 217569, MedGen C0007194, MeSH D002312, MONDO:0005045, HP:0001639.

Submissions (5):

GeneDx
Classification: Uncertain significance. Last evaluated: 2026-09-02. Review status: criteria provided, single submitter. Criteria: GeneDx Variant Classification Process June 2021. Collection method: clinical testing. Allele origin: germline.
Comment: Not observed at significant frequency in large population cohorts (gnomAD); In silico analysis supports that this missense variant has a deleterious effect on protein structure/function; This variant is associated with the following publications: (PMID: 37652022, 25342278, 27532257)

Laboratory for Molecular Medicine, Mass General Brigham Personalized Medicine
Classification: Uncertain significance for Hypertrophic cardiomyopathy. Last evaluated: 2022-06-20. Review status: criteria provided, single submitter. Criteria: ACMG Guidelines, 2015. Collection method: clinical testing. Allele origin: germline. Inheritance: Autosomal dominant inheritance.
Comment: The p.Glu16Gln variant in TPM1 has been reported in 2 individuals with hypertrophic cardiomyopathy (HCM), including as a denovo occurrence in 1 individual, though parental testing was not confirmed (Gomez 2017 PMID: 28356264, Walsh 2017 PMID: 27532257, LMM data). This variant has also been reported by other clinical laboratories in ClinVar (Variation ID 177702) and was absent from large population studies. Computational prediction tools and conservation analyses suggest that this variant may impact the protein, though this information is not predictive enough to determine pathogenicity. In summary, while there is some suspicion for a pathogenic role, the clinical significance of this variant is uncertain. ACMG/AMP Criteria applied: PS4_Supporting, PM6, PM2_Supporting, PP3.

CHEO Genetics Diagnostic Laboratory, Children's Hospital of Eastern Ontario
Classification: Likely pathogenic for Cardiomyopathy. Last evaluated: 2021-06-10. Review status: criteria provided, single submitter. Criteria: ACMG Guidelines, 2015. Collection method: clinical testing. Allele origin: germline.

Women's Health and Genetics/Laboratory Corporation of America, LabCorp
Classification: Uncertain significance. Last evaluated: 2021-04-15. Review status: criteria provided, single submitter. Criteria: LabCorp Variant Classification Summary - May 2015. Collection method: clinical testing. Allele origin: germline.
Comment: Variant summary: TPM1 c.46G>C (p.Glu16Gln) results in a conservative amino acid change in the encoded protein sequence. Three of five in-silico tools predict a damaging effect of the variant on protein function. The variant was absent in 248708 control chromosomes (gnomAD). The available data on variant occurrences in the general population are insufficient to allow any conclusion about variant significance. c.46G>C has been reported in the literature in individuals affected with Hypertrophic Cardiomyopathy (e.g. Gomez_2014, Walsh_2017). These reports do not provide unequivocal conclusions about association of the variant with Cardiomyopathy. To our knowledge, no experimental evidence demonstrating an impact on protein function has been reported. One ClinVar submitter (evaluation after 2014) cites the variant as likely pathogenic while another ClinVar submitter (evaluation after 2014) cites it as uncertain significance. Based on the evidence outlined above, the variant was classified as uncertain significance.

Labcorp Genetics (formerly Invitae), Labcorp
Classification: Uncertain significance for Hypertrophic cardiomyopathy. Last evaluated: 2019-06-25. Review status: criteria provided, single submitter. Criteria: Invitae Variant Classification Sherloc (09022015). Collection method: clinical testing. Allele origin: germline.
Comment: This sequence change replaces glutamic acid with glutamine at codon 16 of the TPM1 protein (p.Glu16Gln). The glutamic acid residue is weakly conserved and there is a small physicochemical difference between glutamic acid and glutamine. This variant is not present in population databases (ExAC no frequency). This variant has been observed in individuals affected with hypertrophic cardiomyopathy (PMID: 28356264, 27532257). ClinVar contains an entry for this variant (Variation ID: 177702). Algorithms developed to predict the effect of missense changes on protein structure and function are either unavailable or do not agree on the potential impact of this missense change (SIFT: "Tolerated"; PolyPhen-2: "Probably Damaging"; Align-GVGD: "Class C0"). In summary, the available evidence is currently insufficient to determine the role of this variant in disease. Therefore, it has been classified as a Variant of Uncertain Significance.

Literature cited by the submitters: PubMed 25342278 (cited by Women's Health and Genetics/Laboratory Corporation of America, LabCorp); PubMed 27532257 (cited by Women's Health and Genetics/Laboratory Corporation of America, LabCorp and Labcorp Genetics (formerly Invitae), Labcorp); PubMed 28356264 (cited by Women's Health and Genetics/Laboratory Corporation of America, LabCorp and Labcorp Genetics (formerly Invitae), Labcorp).

NM_001018005.2(TPM1):c.46G>C (p.Glu16Gln)

Gene: TPM1 (tropomyosin 1; plus strand). Cytogenetic location: 15q22.2.
Variant type: single nucleotide variant.
Coding change: c.46G>C on transcript NM_001018005.2 (MANE Select); coding-DNA position 46, G replaced by C.
Protein change: p.Glu16Gln; replaces glutamic acid 16 with glutamine.
Molecular consequence: missense variant. On other transcripts: non-coding transcript variant (11).
Genome position (GRCh38, 1-based): chr15:63,042,875, G>C. VCF-style: chr15-63042875-G-C. GRCh37 (hg19) VCF-style: chr15-63335074-G-C.
Other names: p.E16Q:GAG>CAG; c.46G>C, p.Glu16Gln (NM_000366.6, NM_001018004.2, NM_001018006.2 and 24 more transcripts); short protein forms E16Q.
Identifiers: ClinVar variation 177702 (VCV000177702.14), dbSNP rs727504290, ClinGen allele CA018063.